The following is an entry in ClinVar:

NM_000435.3(NOTCH3):c.1463T>G (p.Val488Gly)

Gene: NOTCH3 (notch receptor 3; minus strand). Cytogenetic location: 19p13.12.
Variant type: single nucleotide variant.
Coding change: c.1463T>G on transcript NM_000435.3 (MANE Select); coding-DNA position 1463, T replaced by G.
Protein change: p.Val488Gly; replaces valine 488 with glycine.
Molecular consequence: missense variant.
Genome position (GRCh38, 1-based): chr19:15,188,264, A>C on the plus strand (T>G on the coding strand, the complement: NOTCH3 is on the minus strand). VCF-style: chr19-15188264-A-C. GRCh37 (hg19) VCF-style: chr19-15299075-A-C.
Other names: p.Val488Gly; c.1463T>G (NM_000435.2); short protein forms V488G.
Identifiers: ClinVar variation 1420792 (VCV001420792.12), dbSNP rs760245739, ClinGen allele CA9263632.
Genomic context (GRCh38, chr19:15,188,264, plus strand): 5'-CTTTTCGGGCTCCCTCTCCTGAGGTCCTCACCCGAGGGGCAGGTGCAGCTGAAGCCATTG[A>C]CTCGGTCCTTGCAGACCCCACCGTTGACACAGGGGCTACTCTGACACTCGTCAATGTCCA-3'
Protein context (NP_000426.2, residues 478-498): CVNGGVCKDR[Val488Gly]NGFSCTCPSG

ClinVar aggregate classification (germline): Uncertain significance. Review status: criteria provided, multiple submitters, no conflicts (2 of 4 stars). 4 submissions from 4 submitters: Uncertain significance (4). Last evaluated 2025-08-04.

Conditions:
Inborn genetic diseases. Identifiers: MedGen C0950123, MeSH D030342.

Allele frequency attached by ClinVar (database versions not stated): gnomAD exomes 0.00001; ExAC 0.00002.
gnomAD v4.1: 29 of 1,601,598 alleles (0.0018%); highest among the groups gnomAD compares: Non-Finnish European, 0.0023%; no homozygotes.

Submissions (4):

Ambry Genetics
Classification: Uncertain significance for Inborn genetic diseases. Last evaluated: 2025-08-04. Review status: criteria provided, single submitter. Criteria: Ambry Variant Classification Scheme 2023. Collection method: clinical testing. Allele origin: germline.

Labcorp Genetics (formerly Invitae), Labcorp
Classification: Uncertain significance. Last evaluated: 2025-07-24. Review status: criteria provided, single submitter. Criteria: Invitae Variant Classification Sherloc (09022015). Collection method: clinical testing. Allele origin: germline.
Comment: This sequence change replaces valine, which is neutral and non-polar, with glycine, which is neutral and non-polar, at codon 488 of the NOTCH3 protein (p.Val488Gly). This variant is present in population databases (rs760245739, gnomAD 0.002%). This variant has not been reported in the literature in individuals affected with NOTCH3-related conditions. ClinVar contains an entry for this variant (Variation ID: 1420792). Invitae Evidence Modeling of protein sequence and biophysical properties (such as structural, functional, and spatial information, amino acid conservation, physicochemical variation, residue mobility, and thermodynamic stability) indicates that this missense variant is not expected to disrupt NOTCH3 protein function with a negative predictive value of 95%. In summary, the available evidence is currently insufficient to determine the role of this variant in disease. Therefore, it has been classified as a Variant of Uncertain Significance.

Mayo Clinic Laboratories, Mayo Clinic
Classification: Uncertain significance. Last evaluated: 2023-10-30. Review status: criteria provided, single submitter. Criteria: ACMG Guidelines, 2015. Collection method: clinical testing. Allele origin: germline. Observed: 1 variant allele.
Comment: PP3

Revvity Omics, Revvity
Classification: Uncertain significance. Last evaluated: 2022-11-08. Review status: criteria provided, single submitter. Criteria: ACMG Guidelines, 2015. Collection method: clinical testing. Allele origin: germline.